The following is an entry in ClinVar:

ClinVar aggregate classification (germline): Uncertain significance (1 of 4 stars; one submission).

Allele frequency attached by ClinVar (database versions not stated): gnomAD exomes below 0.00001; TOPMed below 0.00001.
gnomAD v4.1: 2 of 1,429,380 alleles (0.00014%); highest among the groups gnomAD compares: Non-Finnish European, 0.00018%; no homozygotes.

Submission:

Labcorp Genetics (formerly Invitae), Labcorp
Classification: Uncertain significance. Last evaluated: 2023-10-14. Review status: criteria provided, single submitter. Criteria: Invitae Variant Classification Sherloc (09022015). Collection method: clinical testing. Allele origin: germline.
Comment: This sequence change replaces aspartic acid, which is acidic and polar, with glycine, which is neutral and non-polar, at codon 356 of the ARHGEF1 protein (p.Asp356Gly). This variant is not present in population databases (gnomAD no frequency). This variant has not been reported in the literature in individuals affected with ARHGEF1-related conditions. An algorithm developed to predict the effect of missense changes on protein structure and function (PolyPhen-2) suggests that this variant is likely to be tolerated. In summary, the available evidence is currently insufficient to determine the role of this variant in disease. Therefore, it has been classified as a Variant of Uncertain Significance.

NM_004706.4(ARHGEF1):c.1022A>G (p.Asp341Gly)

Gene: ARHGEF1 (Rho guanine nucleotide exchange factor 1; plus strand). Cytogenetic location: 19q13.2.
Variant type: single nucleotide variant.
Coding change: c.1022A>G on transcript NM_004706.4 (MANE Select); coding-DNA position 1022, A replaced by G.
Protein change: p.Asp341Gly; replaces aspartic acid 341 with glycine.
Molecular consequence: missense variant. On other transcripts: non-coding transcript variant (2).
Genome position (GRCh38, 1-based): chr19:41,896,383, A>G. VCF-style: chr19-41896383-A-G. GRCh37 (hg19) VCF-style: chr19-42400456-A-G.
Other names: c.1022A>G, p.Asp341Gly (NM_001396000.1, NM_001396003.1, NM_001396006.1); c.923A>G, p.Asp308Gly (NM_001396002.1, NM_001396004.1, NM_198977.2); c.1067A>G, p.Asp356Gly (NM_199002.2); short protein forms D356G, D308G, D341G.
Identifiers: ClinVar variation 3001441 (VCV003001441.3), dbSNP rs1213491926, ClinGen allele CA406055719.
Genomic context (GRCh38, chr19:41,896,383, plus strand): 5'-GGGTCTCGTGGCCGCAGAGGCCTTCCAGCCAGCCCTGCTCCCTCCACCCCACAGGTGCTG[A>G]CGCCCCCCTGGAGCTGGGGGACTCATCCCCGCAGGGCCCAATGAGCCTGGAGTCCTTGGC-3'
Protein context (NP_004697.2, residues 331-351): LDSPDREPGA[Asp341Gly]APLELGDSSP